The following is an entry in ClinVar:

ClinVar aggregate classification (germline): Uncertain significance (1 of 4 stars; one submission).

Conditions:
Primary ciliary dyskinesia. Also called: Ciliary dyskinesia. Identifiers: Orphanet 244, MedGen C0008780, MONDO:0016575, HP:0012265.

gnomAD v4.1: 28 of 1,613,392 alleles (0.0017%); highest among the groups gnomAD compares: Non-Finnish European, 0.0019%; no homozygotes.

Submission:

Ambry Genetics
Classification: Uncertain significance for Primary ciliary dyskinesia. Last evaluated: 2026-04-09. Review status: criteria provided, single submitter. Criteria: Ambry Variant Classification Scheme 2023. Collection method: clinical testing. Allele origin: germline.
Comment: The p.V834A variant (also known as c.2501T>C), located in coding exon 14 of the DNAH11 gene, results from a T to C substitution at nucleotide position 2501. The valine at codon 834 is replaced by alanine, an amino acid with similar properties. This amino acid position is conserved. In addition, this alteration is predicted to be tolerated by in silico analysis. Based on the available evidence, the clinical significance of this variant remains unclear.

NM_001277115.2(DNAH11):c.2501T>C (p.Val834Ala)

Gene: DNAH11 (dynein axonemal heavy chain 11; plus strand). Cytogenetic location: 7p15.3.
Variant type: single nucleotide variant.
Coding change: c.2501T>C on transcript NM_001277115.2 (MANE Select); coding-DNA position 2501, T replaced by C.
Protein change: p.Val834Ala; replaces valine 834 with alanine.
Molecular consequence: missense variant.
Genome position (GRCh38, 1-based): chr7:21,591,411, T>C. VCF-style: chr7-21591411-T-C. GRCh37 (hg19) VCF-style: chr7-21631029-T-C.
Other names: short protein forms V834A.
Identifiers: ClinVar variation 4869919 (VCV004869919.1).